The following is an entry in ClinVar:

NM_002951.5(RPN2):c.1033_1034delinsGG (p.Tyr345Gly)

Gene: RPN2 (ribophorin II; plus strand). Cytogenetic location: 20q11.23.
Variant type: Indel.
Coding change: c.1033_1034delinsGG on transcript NM_002951.5 (MANE Select); coding-DNA positions 1033 to 1034, TA replaced by GG.
Protein change: p.Tyr345Gly; replaces tyrosine 345 with glycine.
Molecular consequence: missense variant.
Genome position (GRCh38, 1-based): chr20:37,213,806-37,213,807, TA replaced by GG. VCF-style: chr20-37213806-TA-GG. GRCh37 (hg19) VCF-style: chr20-35842209-TA-GG.
Other names: c.937_938delinsGG, p.Tyr313Gly (NM_001135771.3); c.1033_1034delinsGG, p.Tyr345Gly (NM_001324299.2, NM_001324302.2, NM_001324303.2 and 1 more transcripts); c.1081_1082delinsGG, p.Tyr361Gly (NM_001324301.2, NM_001324305.2); c.562_563delinsGG, p.Tyr188Gly (NM_001324306.2); short protein forms Y361G, Y188G, Y313G, Y345G.
Identifiers: ClinVar variation 953262 (VCV000953262.9), dbSNP rs2067737486, ClinGen allele CA1139666693.

ClinVar aggregate classification (germline): Uncertain significance (1 of 4 stars; one submission).

Conditions:
Congenital disorder of glycosylation (CDG). Also called: Carbohydrate-deficient glycoprotein syndrome; Congenital disorders of glycosylation. Identifiers: Orphanet 137, MedGen C0282577, MONDO:0015286.

Submission:

Labcorp Genetics (formerly Invitae), Labcorp
Classification: Uncertain significance for Congenital disorder of glycosylation. Last evaluated: 2022-08-16. Review status: criteria provided, single submitter. Criteria: Invitae Variant Classification Sherloc (09022015). Collection method: clinical testing. Allele origin: germline.
Comment: In summary, the available evidence is currently insufficient to determine the role of this variant in disease. Therefore, it has been classified as a Variant of Uncertain Significance. Algorithms developed to predict the effect of missense changes on protein structure and function are either unavailable or do not agree on the potential impact of this missense change (SIFT: "Not Available"; PolyPhen-2: "Probably Damaging"; Align-GVGD: "Not Available"). ClinVar contains an entry for this variant (Variation ID: 953262). This variant has not been reported in the literature in individuals affected with RPN2-related conditions. This variant is present in population databases (no rsID available, gnomAD 0.1%). This sequence change replaces tyrosine, which is neutral and polar, with glycine, which is neutral and non-polar, at codon 345 of the RPN2 protein (p.Tyr345Gly).